The following is an entry in ClinVar:

NM_001267550.2(TTN):c.32887+1G>A

Gene: TTN (titin; minus strand). Cytogenetic location: 2q31.2.
Variant type: single nucleotide variant.
Coding change: c.32887+1G>A on transcript NM_001267550.2 (MANE Select); the canonical splice donor site of the intron after coding-DNA position 32887, G replaced by A.
Molecular consequence: splice donor variant. On other transcripts: intron variant (3).
Genome position (GRCh38, 1-based): chr2:178,683,210, C>T on the plus strand (G>A on the coding strand, the complement: TTN is on the minus strand). VCF-style: chr2-178683210-C-T. GRCh37 (hg19) VCF-style: chr2-179547937-C-T.
Other names: c.13283-40893G>A (NM_003319.4); c.13859-40893G>A (NM_133437.4); c.13658-40893G>A (NM_133432.3); c.29155+1G>A (NM_133378.4); c.31936+1G>A (NM_001256850.1).
Identifiers: ClinVar variation 840250 (VCV000840250.16), dbSNP rs546105899, ClinGen allele CA1998504.

ClinVar aggregate classification (germline): Conflicting classifications of pathogenicity. Review status: criteria provided, conflicting classifications (1 of 4 stars). 2 submissions from 2 submitters: Likely pathogenic (1); Uncertain significance (1). Last evaluated 2024-10-28.

Conditions:
Autosomal recessive limb-girdle muscular dystrophy type 2J (LGMDR10). Also called: MUSCULAR DYSTROPHY, LIMB-GIRDLE, AUTOSOMAL RECESSIVE 10; Limb-girdle muscular dystrophy, type 2J. Identifiers: Orphanet 140922, MedGen C1837342, MONDO:0012127, OMIM 608807.
Dilated cardiomyopathy 1G (CMD1G). Identifiers: Orphanet 154, MedGen C1858763, MONDO:0011400, OMIM 604145.
Myopathy, myofibrillar, 9, with early respiratory failure (MFM9). Also called: MYOPATHY, PROXIMAL, WITH EARLY RESPIRATORY MUSCLE INVOLVEMENT; Myopathy, distal, with early respiratory failure, autosomal dominant; EDSTROM MYOPATHY; Hereditary myopathy with early respiratory failure. Identifiers: Orphanet 178464, Orphanet 34521, MedGen C1863599, MONDO:0011362, OMIM 603689.
Tibial muscular dystrophy (TMD). Also called: Udd Distal Myopathy – Tibial Muscular Dystrophy; UDD MYOPATHY; Tibial muscular dystrophy, tardive. Identifiers: Orphanet 609, MedGen C1838244, MONDO:0010870, OMIM 600334.
Early-onset myopathy with fatal cardiomyopathy (CMYO5). Also called: CONGENITAL MYOPATHY 5 WITH CARDIOMYOPATHY; Salih Myopathy. Identifiers: Orphanet 289377, MedGen C2673677, MONDO:0012714, OMIM 611705. Disease mechanism: loss of function.
Hypertrophic cardiomyopathy 9. Also called: Familial hypertrophic cardiomyopathy 9. Identifiers: MedGen C1861065, MONDO:0013412, OMIM 613765.

Allele frequency attached by ClinVar (database versions not stated): TOPMed 0.00001.
gnomAD v4.1: 7 of 1,539,650 alleles (0.00045%); highest among the groups gnomAD compares: East Asian, 0.015%; no homozygotes.

Submissions (2):

Labcorp Genetics (formerly Invitae), Labcorp
Classification: Likely pathogenic for Dilated cardiomyopathy 1G; Autosomal recessive limb-girdle muscular dystrophy type 2J. Last evaluated: 2024-10-28. Review status: criteria provided, single submitter. Criteria: Invitae Variant Classification Sherloc (09022015). Collection method: clinical testing. Allele origin: germline.
Comment: This sequence change affects a donor splice site in intron 134 of the TTN gene. It is expected to disrupt RNA splicing and likely results in a truncated or disrupted TTN protein. The frequency data for this variant in the population databases is considered unreliable, as metrics indicate poor data quality at this position in the gnomAD database. This variant has not been reported in the literature in individuals affected with TTN-related conditions. ClinVar contains an entry for this variant (Variation ID: 840250). Algorithms developed to predict the effect of sequence changes on RNA splicing suggest that this variant may disrupt the consensus splice site. This variant is located in the I band of TTN (PMID: 25589632). Truncating variants in this region have been reported in individuals affected with autosomal recessive centronuclear myopathy (PMID: 23975875, internal data). Truncating variants in this region have also been identified in individuals affected with autosomal dominant dilated cardiomyopathy and/or cardio-related conditions (PMID: 27869827, 32964742, internal data). In summary, the currently available evidence indicates that the variant is pathogenic, but additional data are needed to prove that conclusively. Therefore, this variant has been classified as Likely Pathogenic.

Juno Genomics, Hangzhou Juno Genomics, Inc
Classification: Uncertain significance for Tibial muscular dystrophy; Early-onset myopathy with fatal cardiomyopathy; Dilated cardiomyopathy 1G; Hypertrophic cardiomyopathy 9; Autosomal recessive limb-girdle muscular dystrophy type 2J; Myopathy, myofibrillar, 9, with early respiratory failure. Review status: criteria provided, single submitter. Criteria: ACMG Guidelines, 2015. Collection method: clinical testing. Allele origin: germline.
Comment: Null variant in a gene where loss of function (LOF) is a known mechanism of disease.;Absent from controls (or at extremely low frequency if recessive) in Genome Aggregation Database.

Literature cited by the submitters: PubMed 25589632 (cited by Labcorp Genetics (formerly Invitae), Labcorp); PubMed 23975875 (cited by Labcorp Genetics (formerly Invitae), Labcorp); PubMed 27869827 (cited by Labcorp Genetics (formerly Invitae), Labcorp); PubMed 32964742 (cited by Labcorp Genetics (formerly Invitae), Labcorp).